The following is an entry in ClinVar:

NM_006343.3(MERTK):c.2250T>A (p.Ser750Arg)

Gene: MERTK (MER proto-oncogene, tyrosine kinase; plus strand). Cytogenetic location: 2q13.
Variant type: single nucleotide variant.
Coding change: c.2250T>A on transcript NM_006343.3 (MANE Select); coding-DNA position 2250, T replaced by A.
Protein change: p.Ser750Arg; replaces serine 750 with arginine.
Molecular consequence: missense variant.
Genome position (GRCh38, 1-based): chr2:112,021,482, T>A. VCF-style: chr2-112021482-T-A. GRCh37 (hg19) VCF-style: chr2-112779059-T-A.
Other names: short protein forms S750R.
Identifiers: ClinVar variation 1435447 (VCV001435447.6), dbSNP rs761683045, ClinGen allele CA1831781.

ClinVar aggregate classification (germline): Uncertain significance (1 of 4 stars; one submission).

Allele frequency attached by ClinVar (database versions not stated): ExAC 0.00001; gnomAD 0.00001; gnomAD exomes 0.00001.

Submission:

Labcorp Genetics (formerly Invitae), Labcorp
Classification: Uncertain significance. Last evaluated: 2022-08-15. Review status: criteria provided, single submitter. Criteria: Invitae Variant Classification Sherloc (09022015). Collection method: clinical testing. Allele origin: germline.
Comment: This variant is present in population databases (rs761683045, gnomAD 0.003%). This sequence change replaces serine, which is neutral and polar, with arginine, which is basic and polar, at codon 750 of the MERTK protein (p.Ser750Arg). This variant has not been reported in the literature in individuals affected with MERTK-related conditions. ClinVar contains an entry for this variant (Variation ID: 1435447). Algorithms developed to predict the effect of missense changes on protein structure and function (SIFT, PolyPhen-2, Align-GVGD) all suggest that this variant is likely to be disruptive. In summary, the available evidence is currently insufficient to determine the role of this variant in disease. Therefore, it has been classified as a Variant of Uncertain Significance.